The following is an entry in ClinVar:

NM_004086.3(COCH):c.1103T>C (p.Ile368Thr)

Genes: COCH-AS1 (COCH antisense RNA 1; minus strand), COCH (cochlin; plus strand). Cytogenetic location: 14q12.
Variant type: single nucleotide variant.
Coding change: c.1103T>C on transcript NM_004086.3 (MANE Select); coding-DNA position 1103, T replaced by C.
Protein change: p.Ile368Thr; replaces isoleucine 368 with threonine.
Molecular consequence: missense variant. On other transcripts: non-coding transcript variant (1).
Genome position (GRCh38, 1-based): chr14:30,885,938, T>C. VCF-style: chr14-30885938-T-C. GRCh37 (hg19) VCF-style: chr14-31355144-T-C.
Other names: c.1103T>C, p.Ile368Thr (NM_001135058.2); c.1298T>C, p.Ile433Thr (NM_001347720.2); short protein forms I368T, I433T.
Identifiers: ClinVar variation 1436477 (VCV001436477.10), dbSNP rs375542487, ClinGen allele CA7143264.
Genomic context (GRCh38, chr14:30,885,938, plus strand): 5'-AGAAGCTGTGCACTCATGAACAAATGATGTGCAGCAAGACCTGTTATAACTCAGTGAACA[T>C]TGCCTTTCTAATTGATGGCTCCAGCAGTGTTGGAGATAGCAATTTCCGCCTCATGCTTGA-3'
Protein context (NP_004077.1, residues 358-378): CSKTCYNSVN[Ile368Thr]AFLIDGSSSV

ClinVar aggregate classification (germline): Uncertain significance. Review status: criteria provided, multiple submitters, no conflicts (2 of 4 stars). 3 submissions from 3 submitters: Uncertain significance (3). Last evaluated 2026-08-07.

Conditions:
Inborn genetic diseases. Identifiers: MedGen C0950123, MeSH D030342.

Allele frequency attached by ClinVar (database versions not stated): gnomAD exomes 0.00001.
gnomAD v4.1: 14 of 1,614,060 alleles (0.00087%); highest among the groups gnomAD compares: Admixed American, 0.0033%; no homozygotes.

Submissions (3):

GeneDx
Classification: Uncertain significance. Last evaluated: 2026-08-07. Review status: criteria provided, single submitter. Criteria: GeneDx Variant Classification Process June 2021. Collection method: clinical testing. Allele origin: germline.
Comment: In silico analysis supports that this missense variant has a deleterious effect on protein structure/function; Has not been previously published as pathogenic or benign to our knowledge

Labcorp Genetics (formerly Invitae), Labcorp
Classification: Uncertain significance. Last evaluated: 2025-09-30. Review status: criteria provided, single submitter. Criteria: Invitae Variant Classification Sherloc (09022015). Collection method: clinical testing. Allele origin: germline.
Comment: This sequence change replaces isoleucine, which is neutral and non-polar, with threonine, which is neutral and polar, at codon 368 of the COCH protein (p.Ile368Thr). This variant is present in population databases (rs375542487, gnomAD 0.006%). This variant has not been reported in the literature in individuals affected with COCH-related conditions. ClinVar contains an entry for this variant (Variation ID: 1436477). Invitae Evidence Modeling of protein sequence and biophysical properties (such as structural, functional, and spatial information, amino acid conservation, physicochemical variation, residue mobility, and thermodynamic stability) has been performed for this missense variant. However, the output from this modeling did not meet the statistical confidence thresholds required to predict the impact of this variant on COCH protein function. In summary, the available evidence is currently insufficient to determine the role of this variant in disease. Therefore, it has been classified as a Variant of Uncertain Significance.

Ambry Genetics
Classification: Uncertain significance for Inborn genetic diseases. Last evaluated: 2025-08-31. Review status: criteria provided, single submitter. Criteria: Ambry Variant Classification Scheme 2023. Collection method: clinical testing. Allele origin: germline.